The following is an entry in ClinVar:

NM_016239.4(MYO15A):c.3952G>A (p.Gly1318Ser)

Gene: MYO15A (myosin XVA; plus strand). Cytogenetic location: 17p11.2.
Variant type: single nucleotide variant.
Coding change: c.3952G>A on transcript NM_016239.4 (MANE Select); coding-DNA position 3952, G replaced by A.
Protein change: p.Gly1318Ser; replaces glycine 1318 with serine.
Molecular consequence: missense variant.
Genome position (GRCh38, 1-based): chr17:18,127,085, G>A. VCF-style: chr17-18127085-G-A. GRCh37 (hg19) VCF-style: chr17-18030399-G-A.
Other names: short protein forms G1318S.
Identifiers: ClinVar variation 1312626 (VCV001312626.4), dbSNP rs374088232, ClinGen allele CA8423676.

ClinVar aggregate classification (germline): Uncertain significance. Review status: criteria provided, multiple submitters, no conflicts (2 of 4 stars). 3 submissions from 3 submitters: Uncertain significance (3). Last evaluated 2026-02-17.

Conditions:
MYO15A-related disorder. Also called: MYO15A-related condition.
Autosomal recessive nonsyndromic hearing loss 3. Also called: NEUROSENSORY NONSYNDROMIC RECESSIVE DEAFNESS 3. Identifiers: Orphanet 90636, MedGen C1838263, MONDO:0010860, OMIM 600316.

Allele frequency attached by ClinVar (database versions not stated): ExAC 0.00001; gnomAD 0.00002; gnomAD exomes 0.00002 and 0.00008; TOPMed 0.00003; ESP Exome Variant Server 0.00008.
gnomAD v4.1: 112 of 1,613,938 alleles (0.0069%); highest among the groups gnomAD compares: Non-Finnish European, 0.0091%; no homozygotes.

Submissions (3):

PreventionGenetics, part of Exact Sciences
Classification: Uncertain significance for MYO15A-related condition. Last evaluated: 2026-02-17. Review status: criteria provided, single submitter. Criteria: ACMG Guidelines, 2015. Collection method: clinical testing. Allele origin: germline.
Comment: The MYO15A c.3952G>A variant is predicted to result in the amino acid substitution p.Gly1318Ser. This variant was reported along with MYO15A pathogenic variant in an individual with hearing loss (Table 2, Li et al. 2021. PubMed ID: 33724713). This variant is reported in 0.0053% of alleles in individuals of European (Non-Finnish) descent in gnomAD. Although we suspect that this variant may be pathogenic, at this time, the clinical significance of this variant is uncertain due to the absence of conclusive functional and genetic evidence.

GeneDx
Classification: Uncertain significance. Last evaluated: 2021-10-14. Review status: criteria provided, single submitter. Criteria: GeneDx Variant Classification Process June 2021. Collection method: clinical testing. Allele origin: germline. Affected: yes.
Comment: Not observed at significant frequency in large population cohorts (Lek et al., 2016); In silico analysis supports that this missense variant has a deleterious effect on protein structure/function; This variant is associated with the following publications: (PMID: 33724713)

Fulgent Genetics
Classification: Uncertain significance for Autosomal recessive nonsyndromic hearing loss 3. Last evaluated: 2021-07-19. Review status: criteria provided, single submitter. Criteria: ACMG Guidelines, 2015. Collection method: clinical testing. Allele origin: unknown.